The following is an entry in ClinVar:

ClinVar aggregate classification (germline): Uncertain significance (1 of 4 stars; one submission).

Conditions:
Catecholaminergic polymorphic ventricular tachycardia (CVPT). Also called: Catecholamine-induced polymorphic ventricular tachycardia. Identifiers: Orphanet 3286, MedGen C5574922, MONDO:0017990.

Submission:

All of Us Research Program, National Institutes of Health
Classification: Uncertain significance for Catecholaminergic polymorphic ventricular tachycardia. Last evaluated: 2024-01-11. Review status: criteria provided, single submitter. Criteria: ACMG Guidelines, 2015. Collection method: clinical testing. Allele origin: germline. Inheritance: Autosomal dominant inheritance. Observed: 1 variant allele, 1 heterozygote.
Comment: This study involves interpretation of variants in research participants for the purpose of population health screening. Participant phenotype was not available at the time of variant classification. Additional details can be found in publication PMID: 35346344, PMCID: PMC8962531

NM_001035.3(RYR2):c.1669T>A (p.Trp557Arg)

Gene: RYR2 (ryanodine receptor 2; plus strand). Cytogenetic location: 1q43.
Variant type: single nucleotide variant.
Coding change: c.1669T>A on transcript NM_001035.3 (MANE Select); coding-DNA position 1669, T replaced by A.
Protein change: p.Trp557Arg; replaces tryptophan 557 with arginine.
Molecular consequence: missense variant.
Genome position (GRCh38, 1-based): chr1:237,469,148, T>A. VCF-style: chr1-237469148-T-A. GRCh37 (hg19) VCF-style: chr1-237632448-T-A.
Other names: short protein forms W557R.
Identifiers: ClinVar variation 3075323 (VCV003075323.1), dbSNP rs2528757906, ClinGen allele CA345383876.